The following is an entry in ClinVar:

NM_001367479.1(DNAH14):c.5480T>A (p.Leu1827Ter)

Gene: DNAH14 (dynein axonemal heavy chain 14; plus strand). Cytogenetic location: 1q42.12.
Variant type: single nucleotide variant.
Coding change: c.5480T>A on transcript NM_001367479.1 (MANE Select); coding-DNA position 5480, T replaced by A.
Protein change: p.Leu1827Ter; replaces leucine 1827 with a stop codon.
Molecular consequence: nonsense.
Genome position (GRCh38, 1-based): chr1:225,167,973, T>A. VCF-style: chr1-225167973-T-A. GRCh37 (hg19) VCF-style: chr1-225355675-T-A.
Other names: NM_001373.1:c.5414T>A; short protein forms L1827*.
Identifiers: ClinVar variation 2573727 (VCV002573727.1), dbSNP rs543172008, ClinGen allele CA1416134.

ClinVar aggregate classification (germline): Uncertain significance (1 of 4 stars; one submission).

Allele frequency attached by ClinVar (database versions not stated): gnomAD exomes 0.00001; ExAC 0.00014; 1000 Genomes Project 30x 0.00016; TOPMed 0.00018; 1000 Genomes Project 0.00020.
gnomAD v4.1: 45 of 1,538,550 alleles (0.0029%); highest among the groups gnomAD compares: African/African-American, 0.057%; no homozygotes.

Submission:

GeneDx
Classification: Uncertain significance. Last evaluated: 2023-01-17. Review status: criteria provided, single submitter. Criteria: GeneDx Variant Classification Process June 2021. Collection method: clinical testing. Allele origin: germline. Affected: yes.
Comment: Nonsense variant predicted to result in protein truncation or nonsense mediated decay in a gene or region of a gene for which loss of function is not a well-established mechanism of disease; Has not been previously published as pathogenic or benign to our knowledge